The following is an entry in ClinVar:

ClinVar aggregate classification (germline): Uncertain significance (1 of 4 stars; one submission).

gnomAD v4.1: 3 of 1,611,632 alleles (0.00019%); highest among the groups gnomAD compares: Non-Finnish European, 0.00025%; no homozygotes.

Submission:

Labcorp Genetics (formerly Invitae), Labcorp
Classification: Uncertain significance. Last evaluated: 2025-04-21. Review status: criteria provided, single submitter. Criteria: Invitae Variant Classification Sherloc (09022015). Collection method: clinical testing. Allele origin: germline.
Comment: This sequence change replaces threonine, which is neutral and polar, with alanine, which is neutral and non-polar, at codon 972 of the CACNA1E protein (p.Thr972Ala). This variant is not present in population databases (gnomAD no frequency). This variant has not been reported in the literature in individuals affected with CACNA1E-related conditions. Invitae Evidence Modeling of protein sequence and biophysical properties (such as structural, functional, and spatial information, amino acid conservation, physicochemical variation, residue mobility, and thermodynamic stability) indicates that this missense variant is not expected to disrupt CACNA1E protein function with a negative predictive value of 95%. In summary, the available evidence is currently insufficient to determine the role of this variant in disease. Therefore, it has been classified as a Variant of Uncertain Significance.

NM_001205293.3(CACNA1E):c.2914A>G (p.Thr972Ala)

Gene: CACNA1E (calcium voltage-gated channel subunit alpha1 E; plus strand). Cytogenetic location: 1q25.3.
Variant type: single nucleotide variant.
Coding change: c.2914A>G on transcript NM_001205293.3 (MANE Select); coding-DNA position 2914, A replaced by G.
Protein change: p.Thr972Ala; replaces threonine 972 with alanine.
Molecular consequence: missense variant.
Genome position (GRCh38, 1-based): chr1:181,733,000, A>G. VCF-style: chr1-181733000-A-G. GRCh37 (hg19) VCF-style: chr1-181702136-A-G.
Other names: c.2914A>G, p.Thr972Ala (NM_000721.4); c.2857A>G, p.Thr953Ala (NM_001205294.2); short protein forms T953A, T972A.
Identifiers: ClinVar variation 4765890 (VCV004765890.1).